The following is an entry in ClinVar:

NM_000496.3(CRYBB2):c.539C>G (p.Pro180Arg)

Gene: CRYBB2 (crystallin beta B2; plus strand). Cytogenetic location: 22q11.23.
Variant type: single nucleotide variant.
Coding change: c.539C>G on transcript NM_000496.3 (MANE Select); coding-DNA position 539, C replaced by G.
Protein change: p.Pro180Arg; replaces proline 180 with arginine.
Molecular consequence: missense variant.
Genome position (GRCh38, 1-based): chr22:25,231,693, C>G. VCF-style: chr22-25231693-C-G. GRCh37 (hg19) VCF-style: chr22-25627660-C-G.
Other names: short protein forms P180R.
Identifiers: ClinVar variation 4985158 (VCV004985158.1).
Genomic context (GRCh38, chr22:25,231,693, plus strand): 5'-GTGGGCTGCAGTACCTGCTGGAGAAGGGAGACTACAAGGACAGCAGCGACTTTGGGGCCC[C>G]TCACCCCCAGGTGCAGTCCGTGCGCCGTATCCGCGACATGCAGTGGCACCAACGTGGTGC-3'
Protein context (NP_000487.1, residues 170-190): DYKDSSDFGA[Pro180Arg]HPQVQSVRRI

ClinVar aggregate classification (germline): Uncertain significance (1 of 4 stars; one submission).

Conditions:
CRYBB2-related disorder. Also called: CRYBB2-related condition.

gnomAD v4.1: 18 of 1,614,022 alleles (0.0011%); highest among the groups gnomAD compares: Admixed American, 0.005%; no homozygotes.

Submission:

PreventionGenetics, part of Exact Sciences
Classification: Uncertain significance for CRYBB2-related condition. Last evaluated: 2026-07-27. Review status: criteria provided, single submitter. Criteria: ACMG Guidelines, 2015. Collection method: clinical testing. Allele origin: germline.
Comment: The CRYBB2 c.539C>G variant is predicted to result in the amino acid substitution p.Pro180Arg. To our knowledge, this variant has not been reported in the literature. This variant is present in 0.0087% of alleles in individuals of Latino descent in gnomAD. At this time, the clinical significance of this variant is uncertain due to the absence of conclusive functional and genetic evidence.